The following is an entry in ClinVar:

NM_013266.4(CTNNA3):c.373G>T (p.Ala125Ser)

Gene: CTNNA3 (catenin alpha 3; minus strand). Cytogenetic location: 10q21.3.
Variant type: single nucleotide variant.
Coding change: c.373G>T on transcript NM_013266.4 (MANE Select); coding-DNA position 373, G replaced by T.
Protein change: p.Ala125Ser; replaces alanine 125 with serine.
Molecular consequence: missense variant.
Genome position (GRCh38, 1-based): chr10:67,539,589, C>A on the plus strand (G>T on the coding strand, the complement: CTNNA3 is on the minus strand). VCF-style: chr10-67539589-C-A. GRCh37 (hg19) VCF-style: chr10-69299347-C-A.
Other names: c.373G>T, p.Ala125Ser (NM_001127384.3); c.409G>T, p.Ala137Ser (NM_001291133.2); short protein forms A125S, A137S.
Identifiers: ClinVar variation 1508365 (VCV001508365.8), dbSNP rs550249818, ClinGen allele CA5520641.

ClinVar aggregate classification (germline): Uncertain significance (1 of 4 stars; one submission).

Conditions:
Arrhythmogenic right ventricular dysplasia 13. Also called: ARRHYTHMOGENIC RIGHT VENTRICULAR CARDIOMYOPATHY 13; Arrhythmogenic right ventricular dysplasia, familial, 13. Identifiers: MedGen C3810138, MONDO:0000908, OMIM 615616.

Allele frequency attached by ClinVar (database versions not stated): ExAC 0.00002; 1000 Genomes Project 30x 0.00016; 1000 Genomes Project 0.00020; gnomAD exomes below 0.00001 and 0.00001; TOPMed below 0.00001; gnomAD 0.00001.
gnomAD v4.1: 3 of 1,613,854 alleles (0.00019%); highest among the groups gnomAD compares: East Asian, 0.0067%; no homozygotes.

Submission:

Labcorp Genetics (formerly Invitae), Labcorp
Classification: Uncertain significance for Arrhythmogenic right ventricular dysplasia 13. Last evaluated: 2024-09-29. Review status: criteria provided, single submitter. Criteria: Invitae Variant Classification Sherloc (09022015). Collection method: clinical testing. Allele origin: germline.
Comment: This sequence change replaces alanine, which is neutral and non-polar, with serine, which is neutral and polar, at codon 125 of the CTNNA3 protein (p.Ala125Ser). This variant is present in population databases (rs550249818, gnomAD 0.01%). This variant has not been reported in the literature in individuals affected with CTNNA3-related conditions. ClinVar contains an entry for this variant (Variation ID: 1508365). Invitae Evidence Modeling of protein sequence and biophysical properties (such as structural, functional, and spatial information, amino acid conservation, physicochemical variation, residue mobility, and thermodynamic stability) indicates that this missense variant is not expected to disrupt CTNNA3 protein function with a negative predictive value of 80%. In summary, the available evidence is currently insufficient to determine the role of this variant in disease. Therefore, it has been classified as a Variant of Uncertain Significance.